The following is an entry in ClinVar:

NM_004603.4(STX1A):c.728_729del (p.Tyr243fs)

Gene: STX1A (syntaxin 1A; minus strand). Cytogenetic location: 7q11.23.
Variant type: Deletion.
Coding change: c.728_729del on transcript NM_004603.4 (MANE Select); coding-DNA positions 728 to 729, 2 bases deleted (AT; older notation c.728_729delAT).
Protein change: p.Tyr243fs; shifts the reading frame from tyrosine 243.
Molecular consequence: frameshift variant.
Genome position (GRCh38, 1-based): chr7:73,700,790-73,700,791, AT deleted on the plus strand (AT on the coding strand, the reverse complement: STX1A is on the minus strand); deleting any 2 consecutive bases within chr7:73,700,790-73,700,792 gives the same sequence; the c. name uses the placement nearest the transcript's 3' end. VCF-style (leftmost placement, unchanged base first): chr7-73700789-CAT-C. GRCh37 (hg19) VCF-style: chr7-73115119-CAT-C.
Other names: c.682_683del, p.Met228fs (NM_001165903.2); short protein forms M228fs, Y243fs.
Identifiers: ClinVar variation 3765709 (VCV003765709.1).
Genomic context (GRCh38, chr7:73,700,789, plus strand): 5'-CCCGGCGCGCCTTGCTCTGGTACTTGACGGCCTTCTTGGTGTCAGACACGGCCCTCTCCA[CAT>C]AGTCTACCGCGTGTTCCACATTGTACTCGATCCTGTCAATCATCTCTCCCTGCGGGGCCG-3'

ClinVar aggregate classification (germline): Uncertain significance (1 of 4 stars; one submission).

Submission:

Greenwood Genetic Center Diagnostic Laboratories, Greenwood Genetic Center
Classification: Uncertain significance. Last evaluated: 2024-10-16. Review status: criteria provided, single submitter. Criteria: ACMG Guidelines, 2015. Collection method: clinical testing. Allele origin: germline. Affected: yes.
Comment: Gene of Uncertain Significance